The following is an entry in ClinVar:

ClinVar aggregate classification (germline): Pathogenic. Review status: criteria provided, multiple submitters, no conflicts (2 of 4 stars). 2 submissions from 2 submitters: Pathogenic (2). Last evaluated 2024-05-20.

Conditions:
Retinoblastoma (RB1). Also called: RETINOBLASTOMA, SOMATIC. Identifiers: Orphanet 790, MedGen C0035335, MeSH D012175, MONDO:0008380, OMIM 180200, HP:0009919. Disease mechanism: loss of function. Inheritance: Both sporadic and heritable forms are tested..

Allele frequency attached by ClinVar (database versions not stated): gnomAD exomes below 0.00001.
gnomAD v4.1: 1 of 1,551,630 alleles (0.000064%); highest among the groups gnomAD compares: South Asian, 0.0012%; no homozygotes.

Submissions (2):

Genetic Diagnostic Laboratory, University of Pennsylvania School of Medicine
Classification: Pathogenic for Retinoblastoma. Last evaluated: 2024-05-20. Review status: criteria provided, single submitter. Criteria: ACMG Guidelines, 2015. Collection method: clinical testing. Allele origin: germline. Affected: yes. Observed: 1 variant allele.
Comment: Case and Pedigree Information: BILATERAL CASES:1, UNILATERAL CASES:0, TOTAL CASES:1, PEDIGREES:1. ACMG Codes Applied:PVS1, PM2

Labcorp Genetics (formerly Invitae), Labcorp
Classification: Pathogenic for Retinoblastoma. Last evaluated: 2023-05-11. Review status: criteria provided, single submitter. Criteria: Invitae Variant Classification Sherloc (09022015). Collection method: clinical testing. Allele origin: germline.
Comment: For these reasons, this variant has been classified as Pathogenic. Algorithms developed to predict the effect of sequence changes on RNA splicing suggest that this variant may disrupt the consensus splice site. Disruption of this splice site has been observed in individual(s) with retinoblastoma (PMID: 24810223). This variant is not present in population databases (gnomAD no frequency). This sequence change affects an acceptor splice site in intron 8 of the RB1 gene. It is expected to disrupt RNA splicing. Variants that disrupt the donor or acceptor splice site typically lead to a loss of protein function (PMID: 16199547), and loss-of-function variants in RB1 are known to be pathogenic (PMID: 17096365).

Literature cited by the submitters: PubMed 24810223 (cited by Labcorp Genetics (formerly Invitae), Labcorp); PubMed 16199547 (cited by Labcorp Genetics (formerly Invitae), Labcorp); PubMed 17096365 (cited by Labcorp Genetics (formerly Invitae), Labcorp).

NM_000321.3(RB1):c.862-2A>G

Gene: RB1 (RB transcriptional corepressor 1; plus strand). Cytogenetic location: 13q14.2.
Variant type: single nucleotide variant.
Coding change: c.862-2A>G on transcript NM_000321.3 (MANE Select); the canonical splice acceptor site of the intron before coding-DNA position 862, A replaced by G.
Molecular consequence: splice acceptor variant.
Genome position (GRCh38, 1-based): chr13:48,364,892, A>G. VCF-style: chr13-48364892-A-G. GRCh37 (hg19) VCF-style: chr13-48939028-A-G.
Other names: c.862-2A>G (NM_001407165.1, NM_001407166.1).
Identifiers: ClinVar variation 2808714 (VCV002808714.4), dbSNP rs1131690914, ClinGen allele CA388159816.
Genomic context (GRCh38, chr13:48,364,892, plus strand): 5'-AGTCAAGAGATTAGATTTTGTTTTAAATTTTAATGATCATGTTGTAACTTCATCTTTTTC[A>G]GGTGAAAAATGTTTATTTCAAAAATTTTATACCTTTTATGAATTCTCTTGGACTTGTAAC-3'